The following is an entry in ClinVar:

NM_152384.3(BBS5):c.450G>A (p.Lys150=)

Gene: BBS5 (Bardet-Biedl syndrome 5; plus strand). Cytogenetic location: 2q31.1.
Variant type: single nucleotide variant.
Coding change: c.450G>A on transcript NM_152384.3 (MANE Select); coding-DNA position 450, G replaced by A.
Protein change: p.Lys150=; no amino-acid change (lysine 150 retained).
Molecular consequence: synonymous variant.
Genome position (GRCh38, 1-based): chr2:169,492,937, G>A. VCF-style: chr2-169492937-G-A. GRCh37 (hg19) VCF-style: chr2-170349447-G-A.
Identifiers: ClinVar variation 4983965 (VCV004983965.1).

ClinVar aggregate classification (germline): Likely benign (1 of 4 stars; one submission).

Conditions:
BBS5-related disorder. Also called: BBS5-related condition.

Submission:

PreventionGenetics, part of Exact Sciences
Classification: Likely benign for BBS5-related condition. Last evaluated: 2025-12-31. Review status: criteria provided, single submitter. Criteria: ACMG Guidelines, 2015. Collection method: clinical testing. Allele origin: germline.
Comment: This variant is classified as likely benign based on ACMG/AMP sequence variant interpretation guidelines (Richards et al. 2015 PMID: 25741868, with internal and published modifications).